The following is an entry in ClinVar:

NM_003640.5(ELP1):c.3542A>G (p.Lys1181Arg)

Gene: ELP1 (elongator acetyltransferase complex subunit 1; minus strand). Cytogenetic location: 9q31.3.
Variant type: single nucleotide variant.
Coding change: c.3542A>G on transcript NM_003640.5 (MANE Select); coding-DNA position 3542, A replaced by G.
Protein change: p.Lys1181Arg; replaces lysine 1181 with arginine.
Molecular consequence: missense variant.
Genome position (GRCh38, 1-based): chr9:108,879,476, T>C on the plus strand (A>G on the coding strand, the complement: ELP1 is on the minus strand). VCF-style: chr9-108879476-T-C. GRCh37 (hg19) VCF-style: chr9-111641756-T-C.
Other names: c.3542A>G (NM_003640.4); c.3200A>G, p.Lys1067Arg (NM_001318360.2); c.2495A>G, p.Lys832Arg (NM_001330749.2); short protein forms K832R, K1067R, K1181R.
Identifiers: ClinVar variation 1403250 (VCV001403250.6), dbSNP rs367582146, ClinGen allele CA5174269.
Genomic context (GRCh38, chr9:108,879,476, plus strand): 5'-GTCAATGTGCTGAATCAATGTGATACGTACGCTGATATCCTGGAGTTACTATGGGAGTAT[T>C]TGCCACTCATCTCACTGCCACTCACGACACTGCTAGTTTCAGAGAAGAGGTCTGACTCTT-3'
Protein context (NP_003631.2, residues 1171-1191): SVVSGSEMSG[Lys1181Arg]YSHSNSRISA

ClinVar aggregate classification (germline): Conflicting classifications of pathogenicity. Review status: criteria provided, conflicting classifications (1 of 4 stars). 4 submissions from 4 submitters: Uncertain significance (3); Likely benign (1). Last evaluated 2023-07-27.

Conditions:
Familial dysautonomia. Also called: HSAN III; FD. Identifiers: Orphanet 1764, MedGen C0013364, MONDO:0009131, OMIM 223900. Disease mechanism: loss of function.
Medulloblastoma (MDB). Also called: Medulloblastoma, somatic; MEDULLOBLASTOMA PREDISPOSITION SYNDROME. Identifiers: Orphanet 616, MedGen C0025149, MeSH D008527, MONDO:0007959, OMIM 155255, HP:0002885.

Allele frequency attached by ClinVar (database versions not stated): gnomAD exomes below 0.00001 and 0.00001; ExAC 0.00001; gnomAD 0.00002; TOPMed 0.00002; ESP Exome Variant Server 0.00008.
gnomAD v4.1: 6 of 1,613,860 alleles (0.00037%); highest among the groups gnomAD compares: African/African-American, 0.0067%; no homozygotes.

Submissions (4):

Women's Health and Genetics/Laboratory Corporation of America, LabCorp
Classification: Uncertain significance. Last evaluated: 2023-07-27. Review status: criteria provided, single submitter. Criteria: LabCorp Variant Classification Summary - May 2015. Collection method: clinical testing. Allele origin: germline.
Comment: Variant summary: ELP1 c.3542A>G (p.Lys1181Arg) results in a conservative amino acid change in the encoded protein sequence. Five of five in-silico tools predict a benign effect of the variant on protein function. The variant allele was found at a frequency of 4e-06 in 251464 control chromosomes (gnomAD). The available data on variant occurrences in the general population are insufficient to allow any conclusion about variant significance. To our knowledge, no occurrence of c.3542A>G in individuals affected with Familial Dysautonomia and no experimental evidence demonstrating its impact on protein function have been reported. Three submitters have cited clinical-significance assessments for this variant to ClinVar after 2014 and classified the variant as VUS and likely benign. Based on the evidence outlined above, the variant was classified as uncertain significance.

Fulgent Genetics
Classification: Uncertain significance for Medulloblastoma; Familial dysautonomia. Last evaluated: 2022-03-31. Review status: criteria provided, single submitter. Criteria: ACMG Guidelines, 2015. Collection method: clinical testing. Allele origin: unknown.

Labcorp Genetics (formerly Invitae), Labcorp
Classification: Uncertain significance. Last evaluated: 2021-12-13. Review status: criteria provided, single submitter. Criteria: Invitae Variant Classification Sherloc (09022015). Collection method: clinical testing. Allele origin: germline.
Comment: This sequence change replaces lysine, which is basic and polar, with arginine, which is basic and polar, at codon 1181 of the ELP1 protein (p.Lys1181Arg). This variant is present in population databases (rs367582146, gnomAD 0.007%). This variant has not been reported in the literature in individuals affected with ELP1-related conditions. Algorithms developed to predict the effect of missense changes on protein structure and function output the following: SIFT: "Tolerated"; PolyPhen-2: "Benign"; Align-GVGD: "Class C0". The arginine amino acid residue is found in multiple mammalian species, which suggests that this missense change does not adversely affect protein function. In summary, the available evidence is currently insufficient to determine the role of this variant in disease. Therefore, it has been classified as a Variant of Uncertain Significance.

Ambry Genetics
Classification: Likely benign. Last evaluated: 2021-11-24. Review status: criteria provided, single submitter. Criteria: Ambry Variant Classification Scheme 2023. Collection method: clinical testing. Allele origin: germline.